The following is an entry in ClinVar:

NM_017780.4(CHD7):c.6450T>A (p.Phe2150Leu)

Gene: CHD7 (chromodomain helicase DNA binding protein 7; plus strand). Cytogenetic location: 8q12.2.
Variant type: single nucleotide variant.
Coding change: c.6450T>A on transcript NM_017780.4 (MANE Select); coding-DNA position 6450, T replaced by A.
Protein change: p.Phe2150Leu; replaces phenylalanine 2150 with leucine.
Molecular consequence: missense variant. On other transcripts: intron variant (1).
Genome position (GRCh38, 1-based): chr8:60,853,175, T>A. VCF-style: chr8-60853175-T-A. GRCh37 (hg19) VCF-style: chr8-61765734-T-A.
Other names: c.1717-9054T>A (NM_001316690.1); short protein forms F2150L.
Identifiers: ClinVar variation 2003767 (VCV002003767.4), dbSNP rs2488043771, ClinGen allele CA371325254.
Genomic context (GRCh38, chr8:60,853,175, plus strand): 5'-CTTTGCTCAAAACAGAGGGGCAGGTAATACATCTTCCTTGAACCCACTGGCAGTTGGATT[T>A]GTCCAGACTCCTCCAGTCATCTCATCTGCTCATATTCAAGATGAGAGGGTACTGGAACAA-3'
Protein context (NP_060250.2, residues 2140-2160): TSSLNPLAVG[Phe2150Leu]VQTPPVISSA

ClinVar aggregate classification (germline): Uncertain significance (1 of 4 stars; one submission).

Conditions:
CHARGE syndrome (CHARGE). Also called: Hittner Hirsch Kreh syndrome; CHARGE ASSOCIATION--COLOBOMA, HEART ANOMALY, CHOANAL ATRESIA, RETARDATION, GENITAL AND EAR ANOMALIES; Coloboma, heart anomaly, choanal atresia, retardation, genital and ear anomalies; CHARGE association; Hall-Hittner syndrome. Identifiers: Orphanet 138, MedGen C0265354, MONDO:0008965.

Submission:

Labcorp Genetics (formerly Invitae), Labcorp
Classification: Uncertain significance for CHARGE syndrome. Last evaluated: 2022-06-09. Review status: criteria provided, single submitter. Criteria: Invitae Variant Classification Sherloc (09022015). Collection method: clinical testing. Allele origin: germline.
Comment: In summary, the available evidence is currently insufficient to determine the role of this variant in disease. Therefore, it has been classified as a Variant of Uncertain Significance. Advanced modeling of protein sequence and biophysical properties (such as structural, functional, and spatial information, amino acid conservation, physicochemical variation, residue mobility, and thermodynamic stability) performed at Invitae indicates that this missense variant is not expected to disrupt CHD7 protein function. This variant has not been reported in the literature in individuals affected with CHD7-related conditions. This variant is not present in population databases (gnomAD no frequency). This sequence change replaces phenylalanine, which is neutral and non-polar, with leucine, which is neutral and non-polar, at codon 2150 of the CHD7 protein (p.Phe2150Leu).